The following is an entry in ClinVar:

NM_000059.4(BRCA2):c.8819A>G (p.Lys2940Arg)

Gene: BRCA2 (BRCA2 DNA repair associated; plus strand). Cytogenetic location: 13q13.1.
Variant type: single nucleotide variant.
Coding change: c.8819A>G on transcript NM_000059.4 (MANE Select); coding-DNA position 8819, A replaced by G.
Protein change: p.Lys2940Arg; replaces lysine 2940 with arginine.
Molecular consequence: missense variant.
Genome position (GRCh38, 1-based): chr13:32,379,381, A>G. VCF-style: chr13-32379381-A-G. GRCh37 (hg19) VCF-style: chr13-32953518-A-G.
Other names: short protein forms K2940R.
Identifiers: ClinVar variation 483123 (VCV000483123.18), dbSNP rs200157227, ClinGen allele CA247493156.

ClinVar aggregate classification (germline): Conflicting classifications of pathogenicity. Review status: criteria provided, conflicting classifications (1 of 4 stars). 4 submissions from 4 submitters: Uncertain significance (3); Likely benign (1). Last evaluated 2025-05-15.

Conditions:
Hereditary cancer-predisposing syndrome. Also called: Neoplastic Syndromes, Hereditary; Tumor predisposition; Hereditary Cancer Syndrome; Hereditary neoplastic syndrome. Identifiers: Orphanet 140162, MedGen C0027672, MeSH D009386, MONDO:0015356.
Hereditary breast ovarian cancer syndrome. Also called: Hereditary breast and ovarian cancer syndrome; Hereditary breast and ovarian cancer; Hereditary breast and ovarian cancer syndrome (HBOC); Breast and ovarian cancer; Hereditary breast and/or ovarian cancer syndrome; BRCA1- and BRCA2-Associated Hereditary Breast and Ovarian Cancer. Identifiers: Orphanet 145, MedGen C0677776, MeSH D061325, MONDO:0003582. Disease mechanism: loss of function.
Familial cancer of breast. Also called: BREAST CANCER, FAMILIAL; Hereditary breast cancer; hereditary breast carcinoma. Identifiers: Orphanet 227535, MedGen C0346153, MONDO:0016419, OMIM 114480. Disease mechanism: loss of function.

Allele frequency attached by ClinVar (database versions not stated): gnomAD exomes below 0.00001.
gnomAD v4.1: 1 of 1,613,952 alleles (0.000062%); highest among the groups gnomAD compares: Non-Finnish European, 0.000085%; no homozygotes.

Submissions (4):

Ambry Genetics
Classification: Likely benign for Hereditary cancer-predisposing syndrome. Last evaluated: 2025-05-15. Review status: criteria provided, single submitter. Criteria: Ambry Variant Classification Scheme 2023. Collection method: clinical testing. Allele origin: germline.

Labcorp Genetics (formerly Invitae), Labcorp
Classification: Uncertain significance for Hereditary breast ovarian cancer syndrome. Last evaluated: 2024-08-27. Review status: criteria provided, single submitter. Criteria: Invitae Variant Classification Sherloc (09022015). Collection method: clinical testing. Allele origin: germline.
Comment: This sequence change replaces lysine, which is basic and polar, with arginine, which is basic and polar, at codon 2940 of the BRCA2 protein (p.Lys2940Arg). This variant is not present in population databases (gnomAD no frequency). This variant has not been reported in the literature in individuals affected with BRCA2-related conditions. ClinVar contains an entry for this variant (Variation ID: 483123). Invitae Evidence Modeling of protein sequence and biophysical properties (such as structural, functional, and spatial information, amino acid conservation, physicochemical variation, residue mobility, and thermodynamic stability) indicates that this missense variant is not expected to disrupt BRCA2 protein function with a negative predictive value of 95%. In summary, the available evidence is currently insufficient to determine the role of this variant in disease. Therefore, it has been classified as a Variant of Uncertain Significance.

Baylor Genetics
Classification: Uncertain significance for Familial cancer of breast. Last evaluated: 2024-03-06. Review status: criteria provided, single submitter. Criteria: ACMG Guidelines, 2015. Collection method: clinical testing. Allele origin: unknown.

MGZ Medical Genetics Center
Classification: Uncertain significance for Familial cancer of breast. Last evaluated: 2024-02-09. Review status: criteria provided, single submitter. Criteria: CSpec BRCA1/2ACMG Rules Specifications V1.1.0. Collection method: clinical testing. Allele origin: germline. Affected: yes.
Comment: ACMG codes applied following ENIGMA VCEP rules: BP4, PM2_SUP